The following is an entry in ClinVar:

ClinVar aggregate classification (germline): Uncertain significance (1 of 4 stars; one submission).

Submission:

GeneDx
Classification: Uncertain significance. Last evaluated: 2024-07-25. Review status: criteria provided, single submitter. Criteria: GeneDx Variant Classification Process June 2021. Collection method: clinical testing. Allele origin: germline. Affected: yes.
Comment: Not observed at significant frequency in large population cohorts (gnomAD); In silico analysis supports that this missense variant has a deleterious effect on protein structure/function; Has not been previously published as pathogenic or benign to our knowledge

NM_001003694.2(BRPF1):c.3601G>C (p.Ala1201Pro)

Gene: BRPF1 (bromodomain and PHD finger containing 1; plus strand). Cytogenetic location: 3p25.3.
Variant type: single nucleotide variant.
Coding change: c.3601G>C on transcript NM_001003694.2 (MANE Select); coding-DNA position 3601, G replaced by C.
Protein change: p.Ala1201Pro; replaces alanine 1201 with proline.
Molecular consequence: missense variant. On other transcripts: non-coding transcript variant (1).
Genome position (GRCh38, 1-based): chr3:9,747,287, G>C. VCF-style: chr3-9747287-G-C. GRCh37 (hg19) VCF-style: chr3-9788971-G-C.
Other names: c.3298G>C, p.Ala1100Pro (NM_001319049.2); c.3580G>C, p.Ala1194Pro (NM_001319050.2); c.3598G>C, p.Ala1200Pro (NM_001410704.1); c.3583G>C, p.Ala1195Pro (NM_004634.3); short protein forms A1100P, A1194P, A1195P, A1200P, A1201P.
Identifiers: ClinVar variation 3600801 (VCV003600801.1).